The following is an entry in ClinVar:

NM_003072.5(SMARCA4):c.4850G>T (p.Ser1617Ile)

Gene: SMARCA4 (SWI/SNF related BAF chromatin remodeling complex subunit ATPase 4; plus strand). Cytogenetic location: 19p13.2.
Variant type: single nucleotide variant.
Coding change: c.4850G>T on transcript NM_003072.5 (MANE Select); coding-DNA position 4850, G replaced by T.
Protein change: p.Ser1617Ile; replaces serine 1617 with isoleucine.
Molecular consequence: missense variant. On other transcripts: non-coding transcript variant (1).
Genome position (GRCh38, 1-based): chr19:11,060,126, G>T. VCF-style: chr19-11060126-G-T. GRCh37 (hg19) VCF-style: chr19-11170802-G-T.
Other names: c.4946G>T, p.Ser1649Ile (NM_001387283.1, NM_001128849.3); c.4850G>T, p.Ser1617Ile (NM_001128844.3); c.4760G>T, p.Ser1587Ile (NM_001128845.2); c.4757G>T, p.Ser1586Ile (NM_001128846.2); c.4751G>T, p.Ser1584Ile (NM_001128847.4, NM_001374457.1); c.4748G>T, p.Ser1583Ile (NM_001128848.2); short protein forms S1586I, S1587I, S1617I, S1649I, S1583I, S1584I.
Identifiers: ClinVar variation 665099 (VCV000665099.10), dbSNP rs1600648852, ClinGen allele CA404080719.

ClinVar aggregate classification (germline): Uncertain significance (1 of 4 stars; one submission).

Conditions:
Rhabdoid tumor predisposition syndrome 2 (RTPS2). Identifiers: Orphanet 231108, Orphanet 69077, MedGen C2750074, MONDO:0013224, OMIM 613325.

Submission:

Labcorp Genetics (formerly Invitae), Labcorp
Classification: Uncertain significance for Rhabdoid tumor predisposition syndrome 2. Last evaluated: 2020-12-23. Review status: criteria provided, single submitter. Criteria: Invitae Variant Classification Sherloc (09022015). Collection method: clinical testing. Allele origin: germline.
Comment: In summary, the available evidence is currently insufficient to determine the role of this variant in disease. Therefore, it has been classified as a Variant of Uncertain Significance. Algorithms developed to predict the effect of missense changes on protein structure and function (SIFT, PolyPhen-2, Align-GVGD) all suggest that this variant is likely to be disruptive, but these predictions have not been confirmed by published functional studies and their clinical significance is uncertain. This variant has not been reported in the literature in individuals with SMARCA4-related disease. This variant is not present in population databases (ExAC no frequency). This sequence change replaces serine with isoleucine at codon 1649 of the SMARCA4 protein (p.Ser1649Ile). The serine residue is moderately conserved and there is a large physicochemical difference between serine and isoleucine.